The following is an entry in ClinVar:

NM_006348.5(COG5):c.2473_2474del (p.Met825fs)

Gene: COG5 (component of oligomeric golgi complex 5; minus strand). Cytogenetic location: 7q22.3.
Variant type: Deletion.
Coding change: c.2473_2474del on transcript NM_006348.5 (MANE Select); coding-DNA positions 2473 to 2474, 2 bases deleted (AT; older notation c.2473_2474delAT).
Protein change: p.Met825fs; shifts the reading frame from methionine 825.
Molecular consequence: frameshift variant.
Genome position (GRCh38, 1-based): chr7:107,203,532-107,203,533, AT deleted on the plus strand (AT on the coding strand, the reverse complement: COG5 is on the minus strand); deleting any 2 consecutive bases within chr7:107,203,532-107,203,534 gives the same sequence; the c. name uses the placement nearest the transcript's 3' end. VCF-style (leftmost placement, unchanged base first): chr7-107203531-CAT-C. GRCh37 (hg19) VCF-style: chr7-106843976-CAT-C.
Other names: c.2566_2567del (NM_006348.3); c.2311_2312del, p.Met771fs (NM_001379511.1); c.2299_2300del, p.Met767fs (NM_001379512.1); c.2266_2267del, p.Met756fs (NM_001379513.1); c.2158_2159del, p.Met720fs (NM_001379514.1); c.1903_1904del, p.Met635fs (NM_001379515.1); c.1759_1760del, p.Met587fs (NM_001379516.1); c.2410_2411del, p.Met804fs (NM_181733.4); short protein forms M587fs, M767fs, M771fs, M635fs, M804fs, M825fs, M720fs, M756fs.
Identifiers: ClinVar variation 1391809 (VCV001391809.4), dbSNP rs777167502, ClinGen allele CA4430568.
Genomic context (GRCh38, chr7:107,203,531, plus strand): 5'-TGAATGGGTTAGCACAAAGTGGAGATGAACAAAGATTTCATGTCATTACTGAAGAGCAGA[CAT>C]AGCCTTTTGAAGCAGCTGAACCATTATGGGATAAACTGGTGCAAATTCTTTGCCTTCTCT-3'

ClinVar aggregate classification (germline): Uncertain significance. Review status: criteria provided, multiple submitters, no conflicts (2 of 4 stars). 2 submissions from 2 submitters: Uncertain significance (2). Last evaluated 2023-06-09.

Conditions:
COG5-congenital disorder of glycosylation. Also called: CDG IIi; CONGENITAL DISORDER OF GLYCOSYLATION, TYPE IIi; COG5-CDG. Identifiers: Orphanet 263487, MedGen C3150876, MONDO:0013325, OMIM 613612.

Submissions (2):

GeneDx
Classification: Uncertain significance. Last evaluated: 2023-06-09. Review status: criteria provided, single submitter. Criteria: GeneDx Variant Classification Process June 2021. Collection method: clinical testing. Allele origin: germline. Affected: yes.
Comment: Not observed at significant frequency in large population cohorts (gnomAD); Frameshift variant predicted to result in protein truncation as the last 5 amino acids are replaced with 7 different amino acids, although loss-of-function variants have not been reported downstream of this position in the protein; Has not been previously published as pathogenic or benign to our knowledge

Labcorp Genetics (formerly Invitae), Labcorp
Classification: Uncertain significance for COG5-congenital disorder of glycosylation. Last evaluated: 2022-08-12. Review status: criteria provided, single submitter. Criteria: Invitae Variant Classification Sherloc (09022015). Collection method: clinical testing. Allele origin: germline.
Comment: This sequence change results in a frameshift in the COG5 gene (p.Met856Valfs*8). While this is not anticipated to result in nonsense mediated decay, it is expected to disrupt the last 5 amino acid(s) of the COG5 protein and extend the protein by 2 additional amino acid residues. This variant is present in population databases (rs777167502, gnomAD 0.009%). This variant has not been reported in the literature in individuals affected with COG5-related conditions. ClinVar contains an entry for this variant (Variation ID: 1391809). In summary, the available evidence is currently insufficient to determine the role of this variant in disease. Therefore, it has been classified as a Variant of Uncertain Significance.